The following is an entry in ClinVar:

NM_000037.4(ANK1):c.1657G>T (p.Glu553Ter)

Gene: ANK1 (ankyrin 1; minus strand). Cytogenetic location: 8p11.21.
Variant type: single nucleotide variant.
Coding change: c.1657G>T on transcript NM_000037.4 (MANE Select); coding-DNA position 1657, G replaced by T.
Protein change: p.Glu553Ter; replaces glutamic acid 553 with a stop codon.
Molecular consequence: nonsense.
Genome position (GRCh38, 1-based): chr8:41,715,020, C>A on the plus strand (G>T on the coding strand, the complement: ANK1 is on the minus strand). VCF-style: chr8-41715020-C-A. GRCh37 (hg19) VCF-style: chr8-41572538-C-A.
Other names: c.1756G>T, p.Glu586Ter (NM_001142446.2); c.1657G>T, p.Glu553Ter (NM_020475.3, NM_020476.3, NM_020477.3); short protein forms E553*, E586*.
Identifiers: ClinVar variation 2746575 (VCV002746575.4), dbSNP rs1827231890, ClinGen allele CA371069641.

ClinVar aggregate classification (germline): Pathogenic. Review status: criteria provided, multiple submitters, no conflicts (2 of 4 stars). 2 submissions from 2 submitters: Pathogenic (2). Last evaluated 2023-11-16.

Conditions:
Hereditary spherocytosis type 1. Also called: Spherocytosis type 1; ANK1-Related Spherocytosis. Identifiers: Orphanet 822, MedGen C2674218, MONDO:0008447, OMIM 182900.

Submissions (2):

ARUP Laboratories, Molecular Genetics and Genomics, ARUP Laboratories
Classification: Pathogenic for Hereditary spherocytosis type 1. Last evaluated: 2023-11-16. Review status: criteria provided, single submitter. Criteria: ARUP Molecular Germline Variant Investigation Process 2024. Collection method: clinical testing. Allele origin: germline.
Comment: The ANK1 c.1657G>T; p.Glu553Ter variant, to our knowledge, is not reported in the medical literature or gene specific databases. This variant is also absent from the Genome Aggregation Database, indicating it is not a common polymorphism. This variant induces an early termination codon and is predicted to result in a truncated protein or mRNA subject to nonsense-mediated decay. Based on available information, this variant is considered to be pathogenic.

Labcorp Genetics (formerly Invitae), Labcorp
Classification: Pathogenic. Last evaluated: 2023-07-25. Review status: criteria provided, single submitter. Criteria: Invitae Variant Classification Sherloc (09022015). Collection method: clinical testing. Allele origin: germline.
Comment: This sequence change creates a premature translational stop signal (p.Glu553*) in the ANK1 gene. It is expected to result in an absent or disrupted protein product. Loss-of-function variants in ANK1 are known to be pathogenic (PMID: 8640229). This variant is not present in population databases (gnomAD no frequency). This variant has not been reported in the literature in individuals affected with ANK1-related conditions. For these reasons, this variant has been classified as Pathogenic.

Literature cited by the submitters: PubMed 8640229 (cited by Labcorp Genetics (formerly Invitae), Labcorp).